The following is an entry in ClinVar:

ClinVar aggregate classification (germline): Uncertain significance (1 of 4 stars; one submission).

Allele frequency attached by ClinVar (database versions not stated): gnomAD exomes 0.00003 and 0.00007; ESP Exome Variant Server 0.00008; ExAC 0.00010; gnomAD 0.00022 and 0.00024; TOPMed 0.00025.
gnomAD v4.1: 69 of 1,365,904 alleles (0.0051%); highest among the groups gnomAD compares: African/African-American, 0.087%; 1 homozygote.

Submission:

Labcorp Genetics (formerly Invitae), Labcorp
Classification: Uncertain significance. Last evaluated: 2024-11-04. Review status: criteria provided, single submitter. Criteria: Invitae Variant Classification Sherloc (09022015). Collection method: clinical testing. Allele origin: germline.
Comment: This sequence change replaces glutamic acid, which is acidic and polar, with glycine, which is neutral and non-polar, at codon 1552 of the ERCC6L2 protein (p.Glu1552Gly). This variant is present in population databases (rs142331890, gnomAD 0.1%). This variant has not been reported in the literature in individuals affected with ERCC6L2-related conditions. ClinVar contains an entry for this variant (Variation ID: 1351491). Experimental studies and prediction algorithms are not available or were not evaluated, and the functional significance of this variant is currently unknown. In summary, the available evidence is currently insufficient to determine the role of this variant in disease. Therefore, it has been classified as a Variant of Uncertain Significance.

NM_020207.7(ERCC6L2):c.4622A>G (p.Glu1541Gly)

Gene: ERCC6L2 (ERCC excision repair 6 like 2; plus strand). Cytogenetic location: 9q22.32.
Variant type: single nucleotide variant.
Coding change: c.4622A>G on transcript NM_020207.7 (MANE Select); coding-DNA position 4622, A replaced by G.
Protein change: p.Glu1541Gly; replaces glutamic acid 1541 with glycine.
Molecular consequence: missense variant. On other transcripts: non-coding transcript variant (1), intron variant (2).
Genome position (GRCh38, 1-based): chr9:96,013,172, A>G. VCF-style: chr9-96013172-A-G. GRCh37 (hg19) VCF-style: chr9-98775454-A-G.
Other names: c.3674+8471A>G (NM_001375291.1, NM_001375292.1); short protein forms E1541G.
Identifiers: ClinVar variation 1351491 (VCV001351491.5), dbSNP rs142331890, ClinGen allele CA5140137.